The following is an entry in ClinVar:

NM_001369.3(DNAH5):c.6343A>G (p.Ile2115Val)

Gene: DNAH5 (dynein axonemal heavy chain 5; minus strand). Cytogenetic location: 5p15.2.
Variant type: single nucleotide variant.
Coding change: c.6343A>G on transcript NM_001369.3 (MANE Select); coding-DNA position 6343, A replaced by G.
Protein change: p.Ile2115Val; replaces isoleucine 2115 with valine.
Molecular consequence: missense variant.
Genome position (GRCh38, 1-based): chr5:13,829,611, T>C on the plus strand (A>G on the coding strand, the complement: DNAH5 is on the minus strand). VCF-style: chr5-13829611-T-C. GRCh37 (hg19) VCF-style: chr5-13829720-T-C.
Other names: c.6343A>G (NM_001369.2); short protein forms I2115V.
Identifiers: ClinVar variation 2079762 (VCV002079762.2), dbSNP rs1185708782, ClinGen allele CA359200130.

ClinVar aggregate classification (germline): Uncertain significance. Review status: criteria provided, multiple submitters, no conflicts (2 of 4 stars). 2 submissions from 2 submitters: Uncertain significance (2). Last evaluated 2024-07-05.

Conditions:
Primary ciliary dyskinesia. Also called: Ciliary dyskinesia. Identifiers: Orphanet 244, MedGen C0008780, MONDO:0016575, HP:0012265.

gnomAD v4.1: 3 of 1,614,180 alleles (0.00019%); highest among the groups gnomAD compares: Admixed American, 0.0033%; no homozygotes.

Submissions (2):

Ambry Genetics
Classification: Uncertain significance for Primary ciliary dyskinesia. Last evaluated: 2024-07-05. Review status: criteria provided, single submitter. Criteria: Ambry Variant Classification Scheme 2023. Collection method: clinical testing. Allele origin: germline.

Labcorp Genetics (formerly Invitae), Labcorp
Classification: Uncertain significance for Primary ciliary dyskinesia. Last evaluated: 2021-11-01. Review status: criteria provided, single submitter. Criteria: Invitae Variant Classification Sherloc (09022015). Collection method: clinical testing. Allele origin: germline.
Comment: This sequence change replaces isoleucine, which is neutral and non-polar, with valine, which is neutral and non-polar, at codon 2115 of the DNAH5 protein (p.Ile2115Val). This variant is present in population databases (no rsID available, gnomAD 0.003%). This variant has not been reported in the literature in individuals affected with DNAH5-related conditions. Advanced modeling of protein sequence and biophysical properties (such as structural, functional, and spatial information, amino acid conservation, physicochemical variation, residue mobility, and thermodynamic stability) performed at Invitae indicates that this missense variant is not expected to disrupt DNAH5 protein function. Algorithms developed to predict the effect of sequence changes on RNA splicing suggest that this variant may create or strengthen a splice site. In summary, the available evidence is currently insufficient to determine the role of this variant in disease. Therefore, it has been classified as a Variant of Uncertain Significance.